The following is an entry in ClinVar:

ClinVar aggregate classification (germline): Pathogenic (1 of 4 stars; one submission).

Submission:

Labcorp Genetics (formerly Invitae), Labcorp
Classification: Pathogenic. Last evaluated: 2025-12-10. Review status: criteria provided, single submitter. Criteria: Invitae Variant Classification Sherloc (09022015). Collection method: clinical testing. Allele origin: germline.
Comment: This sequence change creates a premature translational stop signal (p.Gln1975*) in the SPTB gene. It is expected to result in an absent or disrupted protein product. Loss-of-function variants in SPTB are known to be pathogenic (PMID: 1391962, 1498324, 8844207, 26830532, 27292444). This variant is not present in population databases (gnomAD no frequency). This variant has not been reported in the literature in individuals affected with SPTB-related conditions. For these reasons, this variant has been classified as Pathogenic.

Literature cited by the submitters: PubMed 1391962; PubMed 1498324; PubMed 8844207; PubMed 26830532; PubMed 27292444.

NM_001355436.2(SPTB):c.5923C>T (p.Gln1975Ter)

Gene: SPTB (spectrin beta, erythrocytic; minus strand). Cytogenetic location: 14q23.3.
Variant type: single nucleotide variant.
Coding change: c.5923C>T on transcript NM_001355436.2 (MANE Select); coding-DNA position 5923, C replaced by T.
Protein change: p.Gln1975Ter; replaces glutamine 1975 with a stop codon.
Molecular consequence: nonsense.
Genome position (GRCh38, 1-based): chr14:64,769,604, G>A on the plus strand (C>T on the coding strand, the complement: SPTB is on the minus strand). VCF-style: chr14-64769604-G-A. GRCh37 (hg19) VCF-style: chr14-65236322-G-A.
Other names: c.5923C>T, p.Gln1975Ter (NM_001024858.4, NM_001355437.2); short protein forms Q1975*.
Identifiers: ClinVar variation 4732950 (VCV004732950.1).